The following is an entry in ClinVar:

NM_000384.3(APOB):c.4812T>C (p.Ala1604=)

Gene: APOB (apolipoprotein B; minus strand). Cytogenetic location: 2p24.1.
Variant type: single nucleotide variant.
Coding change: c.4812T>C on transcript NM_000384.3 (MANE Select); coding-DNA position 4812, T replaced by C.
Protein change: p.Ala1604=; no amino-acid change (alanine 1604 retained).
Molecular consequence: synonymous variant.
Genome position (GRCh38, 1-based): chr2:21,012,056, A>G on the plus strand (T>C on the coding strand, the complement: APOB is on the minus strand). VCF-style: chr2-21012056-A-G. GRCh37 (hg19) VCF-style: chr2-21234928-A-G.
Identifiers: ClinVar variation 2420848 (VCV002420848.9), dbSNP rs762885985, ClinGen allele CA43507761.

ClinVar aggregate classification (germline): Likely benign. Review status: criteria provided, multiple submitters, no conflicts (2 of 4 stars). 2 submissions from 2 submitters: Likely benign (2). Last evaluated 2023-07-07.

Conditions:
Familial hypercholesterolemia. Also called: Familial hypercholesterolemias; Familial hypercholesterolaemia. Identifiers: MedGen C0020445, MONDO:0005439.
Familial hypobetalipoproteinemia 1. Also called: Hypobetalipoproteinemia, normotriglyceridemic; Acanthocytosis with hypobetalipoproteinemia; APOB-Related Familial Hypobetalipoproteinemia. Identifiers: MedGen C4551990, MONDO:0014252, OMIM 615558.
Hypercholesterolemia, autosomal dominant, type B (FHCL2). Also called: Familial hypercholesterolemia 2; Familial Hypercholesterolemia Type B; APOLIPOPROTEIN B-100, FAMILIAL DEFECTIVE; APOLIPOPROTEIN B-100, FAMILIAL LIGAND-DEFECTIVE; HYPERCHOLESTEROLEMIA, FAMILIAL, DUE TO LIGAND-DEFECTIVE APOLIPOPROTEIN B; APOB-Related Familial Hypercholesterolemia, Autosomal Dominant. Identifiers: MedGen C1704417, MONDO:0007751, OMIM 144010.

Allele frequency attached by ClinVar (database versions not stated): gnomAD exomes below 0.00001; TOPMed 0.00001.
gnomAD v4.1: 3 of 1,614,264 alleles (0.00019%); highest among the groups gnomAD compares: Non-Finnish European, 0.00017%; no homozygotes.

Submissions (2):

GENinCode PLC
Classification: Likely benign for Familial hypercholesterolemia. Last evaluated: 2023-07-07. Review status: criteria provided, single submitter. Criteria: ACMG Guidelines, 2015. Collection method: clinical testing. Allele origin: germline.
Comment: This is a synonymous (silent) variant that is not predicted by SpliceAI to impact splicing. In addition, it occurs at a nucleotide that is not conserved. Therefore this variant has been classified as Likely Benign (BP4, BP7).

Labcorp Genetics (formerly Invitae), Labcorp
Classification: Likely benign for Familial hypobetalipoproteinemia 1; Hypercholesterolemia, autosomal dominant, type B. Last evaluated: 2022-12-26. Review status: criteria provided, single submitter. Criteria: Invitae Variant Classification Sherloc (09022015). Collection method: clinical testing. Allele origin: germline.